The following is an entry in ClinVar:

NM_031844.3(HNRNPU):c.1582_1601dup (p.Met534fs)

Gene: HNRNPU (heterogeneous nuclear ribonucleoprotein U; minus strand). Cytogenetic location: 1q44.
Variant type: Duplication.
Coding change: c.1582_1601dup on transcript NM_031844.3 (MANE Select); coding-DNA positions 1582 to 1601, 20 bases duplicated (CTTGGCACAAATACTATTAT).
Protein change: p.Met534fs; shifts the reading frame from methionine 534.
Molecular consequence: frameshift variant.
Genome position (GRCh38, 1-based): chr1:244,857,611-244,857,630, ATAATAGTATTTGTGCCAAG duplicated on the plus strand (CTTGGCACAAATACTATTAT on the coding strand, the reverse complement: HNRNPU is on the minus strand); duplicating any 20 consecutive bases within chr1:244,857,611-244,857,631 gives the same sequence; the c. name uses the placement nearest the transcript's 3' end. VCF-style (leftmost placement, unchanged base first): chr1-244857610-C-CATAATAGTATTTGTGCCAAG. GRCh37 (hg19) VCF-style: chr1-245020912-C-CATAATAGTATTTGTGCCAAG.
Other names: c.1525_1544dup, p.Met515fs (NM_004501.3); short protein forms M515fs, M534fs.
Identifiers: ClinVar variation 4855757 (VCV004855757.1).

ClinVar aggregate classification (germline): Likely pathogenic (1 of 4 stars; one submission).

Conditions:
Developmental and epileptic encephalopathy, 54. Also called: Epileptic encephalopathy, early infantile, 54; HNRNPU-Related Neurodevelopmental Disorder. Identifiers: MedGen C4479319, MONDO:0033363, OMIM 617391.

Submission:

3billion
Classification: Likely pathogenic for Developmental and epileptic encephalopathy, 54. Last evaluated: 2025-08-07. Review status: criteria provided, single submitter. Criteria: ACMG Guidelines, 2015. Collection method: clinical testing. Allele origin: germline. Affected: yes.
Comment: The variant is not observed in the gnomAD v4.1.0 dataset. Predicted Consequence/Location: Frameshift: predicted to result in a loss or disruption of normal protein function through nonsense-mediated decay (NMD) or protein truncation. Multiple pathogenic variants are reported downstream of the variant. Therefore, this variant is classified as Likely pathogenic according to the recommendation of ACMG/AMP guideline.